The following is an entry in ClinVar:

ClinVar aggregate classification (germline): Conflicting classifications of pathogenicity. Review status: criteria provided, conflicting classifications (1 of 4 stars). 3 submissions from 3 submitters: Uncertain significance (2); Likely benign (1). Last evaluated 2026-06-12.

Conditions:
Juvenile myelomonocytic leukemia (JMML). Also called: LEUKEMIA, JUVENILE MYELOMONOCYTIC, SOMATIC. Identifiers: Orphanet 86834, MedGen C0349639, MONDO:0011908, OMIM 607785, HP:0012209.
Cardiovascular phenotype. Identifiers: MedGen CN230736.
Hereditary cancer-predisposing syndrome. Also called: Tumor predisposition; Hereditary Cancer Syndrome; Neoplastic Syndromes, Hereditary; Hereditary neoplastic syndrome. Identifiers: Orphanet 140162, MedGen C0027672, MeSH D009386, MONDO:0015356.
Neurofibromatosis, type 1 (NF1). Also called: VON RECKLINGHAUSEN DISEASE; Neurofibromatosis, type I; NEUROFIBROMATOSIS, TYPE I, SOMATIC; Peripheral type neurofibromatosis. Identifiers: Orphanet 636, MedGen C0027831, MONDO:0018975, OMIM 162200. Disease mechanism: loss of function.

Submissions (3):

Ambry Genetics
Classification: Likely benign for Cardiovascular phenotype; Hereditary cancer-predisposing syndrome. Last evaluated: 2026-06-12. Review status: criteria provided, single submitter. Criteria: Ambry Variant Classification Scheme 2023. Collection method: clinical testing. Allele origin: germline.

Baylor Genetics
Classification: Uncertain significance for Juvenile myelomonocytic leukemia. Last evaluated: 2024-03-27. Review status: criteria provided, single submitter. Criteria: ACMG Guidelines, 2015. Collection method: clinical testing. Allele origin: unknown.

Labcorp Genetics (formerly Invitae), Labcorp
Classification: Uncertain significance for Neurofibromatosis, type 1. Last evaluated: 2018-12-10. Review status: criteria provided, single submitter. Criteria: Invitae Variant Classification Sherloc (09022015). Collection method: clinical testing. Allele origin: germline.
Comment: This sequence change replaces phenylalanine with serine at codon 624 of the NF1 protein (p.Phe624Ser). The phenylalanine residue is weakly conserved and there is a large physicochemical difference between phenylalanine and serine. This variant is not present in population databases (ExAC no frequency). This variant has not been reported in the literature in individuals with NF1-related conditions. Algorithms developed to predict the effect of missense changes on protein structure and function output the following: SIFT: "Tolerated"; PolyPhen-2: "Benign"; Align-GVGD: "Class C0". The serine amino acid residue is found in multiple mammalian species, suggesting that this missense change does not adversely affect protein function. These predictions have not been confirmed by published functional studies and their clinical significance is uncertain. In summary, the available evidence is currently insufficient to determine the role of this variant in disease. Therefore, it has been classified as a Variant of Uncertain Significance.

NM_001042492.3(NF1):c.1871T>C (p.Phe624Ser)

Gene: NF1 (neurofibromin 1; plus strand). Cytogenetic location: 17q11.2.
Variant type: single nucleotide variant.
Coding change: c.1871T>C on transcript NM_001042492.3 (MANE Select); coding-DNA position 1871, T replaced by C.
Protein change: p.Phe624Ser; replaces phenylalanine 624 with serine.
Molecular consequence: missense variant.
Genome position (GRCh38, 1-based): chr17:31,225,120, T>C. VCF-style: chr17-31225120-T-C. GRCh37 (hg19) VCF-style: chr17-29552138-T-C.
Other names: c.1871T>C, p.Phe624Ser (NM_000267.4); short protein forms F624S.
Identifiers: ClinVar variation 662272 (VCV000662272.10), dbSNP rs1597710397, ClinGen allele CA399005119.